The following is an entry in ClinVar:

ClinVar aggregate classification (germline): Uncertain significance. Review status: criteria provided, multiple submitters, no conflicts (2 of 4 stars). 2 submissions from 2 submitters: Uncertain significance (2). Last evaluated 2021-12-14.

Conditions:
Brugada syndrome. Also called: Sudden unexpected nocturnal death syndrome; Sudden Unexplained Death Syndrome; Sudden Unexplained Nocturnal Death Syndrome (SUNDS); Sudden unexplained nocturnal death syndrome. Identifiers: Orphanet 130, MedGen C1142166, MONDO:0015263.
Cardiovascular phenotype. Identifiers: MedGen CN230736.

Submissions (2):

Ambry Genetics
Classification: Uncertain significance for Cardiovascular phenotype. Last evaluated: 2021-12-14. Review status: criteria provided, single submitter. Criteria: Ambry Variant Classification Scheme 2023. Collection method: clinical testing. Allele origin: germline.

Labcorp Genetics (formerly Invitae), Labcorp
Classification: Uncertain significance for Brugada syndrome. Last evaluated: 2019-12-19. Review status: criteria provided, single submitter. Criteria: Invitae Variant Classification Sherloc (09022015). Collection method: clinical testing. Allele origin: germline.
Comment: In summary, the available evidence is currently insufficient to determine the role of this variant in disease. Therefore, it has been classified as a Variant of Uncertain Significance. Algorithms developed to predict the effect of missense changes on protein structure and function are either unavailable or do not agree on the potential impact of this missense change (SIFT: "Tolerated"; PolyPhen-2: "Probably Damaging"; Align-GVGD: "Class C0"). This variant has not been reported in the literature in individuals with SCN10A-related conditions. This variant is not present in population databases (ExAC no frequency). This sequence change replaces tyrosine with phenylalanine at codon 1921 of the SCN10A protein (p.Tyr1921Phe). The tyrosine residue is moderately conserved and there is a small physicochemical difference between tyrosine and phenylalanine.

NM_006514.4(SCN10A):c.5762A>T (p.Tyr1921Phe)

Gene: SCN10A (sodium voltage-gated channel alpha subunit 10; minus strand). Cytogenetic location: 3p22.2.
Variant type: single nucleotide variant.
Coding change: c.5762A>T on transcript NM_006514.4 (MANE Select); coding-DNA position 5762, A replaced by T.
Protein change: p.Tyr1921Phe; replaces tyrosine 1921 with phenylalanine.
Molecular consequence: missense variant.
Genome position (GRCh38, 1-based): chr3:38,697,458, T>A on the plus strand (A>T on the coding strand, the complement: SCN10A is on the minus strand). VCF-style: chr3-38697458-T-A. GRCh37 (hg19) VCF-style: chr3-38738949-T-A.
Other names: c.5759A>T, p.Tyr1920Phe (NM_001293306.2); c.5468A>T, p.Tyr1823Phe (NM_001293307.2); c.5762A>T (NM_006514.2); short protein forms Y1920F, Y1921F, Y1823F.
Identifiers: ClinVar variation 837765 (VCV000837765.10), dbSNP rs778955408, ClinGen allele CA352152410.